The following is an entry in ClinVar:

ClinVar aggregate classification (germline): Uncertain significance (1 of 4 stars; one submission).

Submission:

Labcorp Genetics (formerly Invitae), Labcorp
Classification: Uncertain significance. Last evaluated: 2023-11-27. Review status: criteria provided, single submitter. Criteria: Invitae Variant Classification Sherloc (09022015). Collection method: clinical testing. Allele origin: germline.
Comment: This sequence change replaces glutamic acid, which is acidic and polar, with alanine, which is neutral and non-polar, at codon 848 of the TAOK2 protein (p.Glu848Ala). This variant is not present in population databases (gnomAD no frequency). This variant has not been reported in the literature in individuals affected with TAOK2-related conditions. ClinVar contains an entry for this variant (Variation ID: 1348473). An algorithm developed to predict the effect of missense changes on protein structure and function (PolyPhen-2) suggests that this variant is likely to be tolerated. In summary, the available evidence is currently insufficient to determine the role of this variant in disease. Therefore, it has been classified as a Variant of Uncertain Significance.

NM_016151.4(TAOK2):c.2543A>C (p.Glu848Ala)

Gene: TAOK2 (TAO kinase 2; plus strand). Cytogenetic location: 16p11.2.
Variant type: single nucleotide variant.
Coding change: c.2543A>C on transcript NM_016151.4 (MANE Select); coding-DNA position 2543, A replaced by C.
Protein change: p.Glu848Ala; replaces glutamic acid 848 with alanine.
Molecular consequence: missense variant. On other transcripts: intron variant (2).
Genome position (GRCh38, 1-based): chr16:29,986,815, A>C. VCF-style: chr16-29986815-A-C. GRCh37 (hg19) VCF-style: chr16-29998136-A-C.
Other names: c.2232+311A>C (NM_004783.4); c.2233-29A>C (NM_001252043.2); short protein forms E848A.
Identifiers: ClinVar variation 1348473 (VCV001348473.8), dbSNP rs2150904086, ClinGen allele CA395492567.